The following is an entry in ClinVar:

ClinVar aggregate classification (germline): Conflicting classifications of pathogenicity. Review status: criteria provided, conflicting classifications (1 of 4 stars). 3 submissions from 3 submitters: Uncertain significance (1); Benign (1); Likely benign (1). Last evaluated 2026-04-01.

Conditions:
Inborn genetic diseases. Identifiers: MedGen C0950123, MeSH D030342.

Allele frequency attached by ClinVar (database versions not stated): gnomAD 0.00003; TOPMed 0.00005.
gnomAD v4.1: 20 of 1,614,110 alleles (0.0012%); highest among the groups gnomAD compares: African/African-American, 0.0067%; no homozygotes.

Submissions (3):

CeGaT Center for Human Genetics Tuebingen
Classification: Likely benign. Last evaluated: 2026-04-01. Review status: criteria provided, single submitter. Criteria: CeGaT Center For Human Genetics Tuebingen Variant Classification Criteria Version 2. Collection method: clinical testing. Allele origin: germline. Affected: yes. Observed: 2 variant alleles.
Comment: RERE: BP4

Ambry Genetics
Classification: Uncertain significance for Inborn genetic diseases. Last evaluated: 2025-07-13. Review status: criteria provided, single submitter. Criteria: Ambry Variant Classification Scheme 2023. Collection method: clinical testing. Allele origin: germline.

Labcorp Genetics (formerly Invitae), Labcorp
Classification: Benign. Last evaluated: 2024-02-23. Review status: criteria provided, single submitter. Criteria: Invitae Variant Classification Sherloc (09022015). Collection method: clinical testing. Allele origin: germline.

NM_001042681.2(RERE):c.1895C>T (p.Ser632Leu)

Gene: RERE (arginine-glutamic acid dipeptide repeats; minus strand). Cytogenetic location: 1p36.23.
Variant type: single nucleotide variant.
Coding change: c.1895C>T on transcript NM_001042681.2 (MANE Select); coding-DNA position 1895, C replaced by T.
Protein change: p.Ser632Leu; replaces serine 632 with leucine.
Molecular consequence: missense variant.
Genome position (GRCh38, 1-based): chr1:8,362,690, G>A on the plus strand (C>T on the coding strand, the complement: RERE is on the minus strand). VCF-style: chr1-8362690-G-A. GRCh37 (hg19) VCF-style: chr1-8422750-G-A.
Other names: c.1895C>T (NM_012102.3); c.233C>T, p.Ser78Leu (NM_001042682.2); c.1895C>T, p.Ser632Leu (NM_012102.4); short protein forms S632L, S78L.
Identifiers: ClinVar variation 2419629 (VCV002419629.34), dbSNP rs1002074448, ClinGen allele CA17698352.
Genomic context (GRCh38, chr1:8,362,690, plus strand): 5'-TTTTAATGTGAGGGAGGGACAGAGTAGGCCCTACTATCCCCCCAGCACCTGACCTTGGCC[G>A]ACTTCTTCACTGTCTCTGCTTTACTGTCATTGCTGGAGGTACTGGCAGCGCTGGGGGAGT-3'
Protein context (NP_001036146.1, residues 622-642): NDSKAETVKK[Ser632Leu]AKKVKEEASS